The following is an entry in ClinVar:

ClinVar aggregate classification (germline): Uncertain significance (1 of 4 stars; one submission).

Submission:

Labcorp Genetics (formerly Invitae), Labcorp
Classification: Uncertain significance. Last evaluated: 2023-04-06. Review status: criteria provided, single submitter. Criteria: Invitae Variant Classification Sherloc (09022015). Collection method: clinical testing. Allele origin: germline.
Comment: This sequence change replaces glutamic acid, which is acidic and polar, with lysine, which is basic and polar, at codon 100 of the CTR9 protein (p.Glu100Lys). This variant is not present in population databases (gnomAD no frequency). This variant has not been reported in the literature in individuals affected with CTR9-related conditions. An algorithm developed to predict the effect of missense changes on protein structure and function (PolyPhen-2) suggests that this variant is likely to be disruptive. In summary, the available evidence is currently insufficient to determine the role of this variant in disease. Therefore, it has been classified as a Variant of Uncertain Significance.

NM_014633.5(CTR9):c.298G>A (p.Glu100Lys)

Gene: CTR9 (CTR9 component of Paf1/RNA polymerase II complex; plus strand). Cytogenetic location: 11p15.4.
Variant type: single nucleotide variant.
Coding change: c.298G>A on transcript NM_014633.5 (MANE Select); coding-DNA position 298, G replaced by A.
Protein change: p.Glu100Lys; replaces glutamic acid 100 with lysine.
Molecular consequence: missense variant.
Genome position (GRCh38, 1-based): chr11:10,755,111, G>A. VCF-style: chr11-10755111-G-A. GRCh37 (hg19) VCF-style: chr11-10776658-G-A.
Other names: c.298G>A, p.Glu100Lys (NM_001346279.2); short protein forms E100K.
Identifiers: ClinVar variation 2852525 (VCV002852525.3), dbSNP rs2539369812, ClinGen allele CA379659516.